The following is an entry in ClinVar:

NM_003024.3(ITSN1):c.4608C>T (p.Asp1536=)

Gene: ITSN1 (intersectin 1; plus strand). Cytogenetic location: 21q22.11.
Variant type: single nucleotide variant.
Coding change: c.4608C>T on transcript NM_003024.3 (MANE Select); coding-DNA position 4608, C replaced by T.
Protein change: p.Asp1536=; no amino-acid change (aspartic acid 1536 retained).
Molecular consequence: synonymous variant.
Genome position (GRCh38, 1-based): chr21:33,883,603, C>T. VCF-style: chr21-33883603-C-T. GRCh37 (hg19) VCF-style: chr21-35255907-C-T.
Other names: c.4593C>T, p.Asp1531= (NM_001331010.2).
Identifiers: ClinVar variation 2652633 (VCV002652633.24), dbSNP rs75569856, ClinGen allele CA10012467.
Genomic context (GRCh38, chr21:33,883,603, plus strand): 5'-TTTCCAGCCTATTTTCCTAAATGAGGTTCTAGTAAAATTACCCACCGACCCTTCTGGAGA[C>T]GAGCCCATCTTCCACATCTCCCACATTGACCGCGTCTATACTCTCCGAGCAGAAAGCATA-3'
Protein context (NP_003015.2, residues 1526-1546): LVKLPTDPSG[Asp1536=]EPIFHISHID

ClinVar aggregate classification (germline): Likely benign (1 of 4 stars; one submission).

Allele frequency attached by ClinVar (database versions not stated): gnomAD 0.00001; gnomAD exomes 0.00001; ExAC 0.00002; TOPMed 0.00002.
gnomAD v4.1: 17 of 1,613,762 alleles (0.0011%); highest among the groups gnomAD compares: South Asian, 0.0044%; no homozygotes.

Submission:

CeGaT Center for Human Genetics Tuebingen
Classification: Likely benign. Last evaluated: 2022-07-01. Review status: criteria provided, single submitter. Criteria: CeGaT Center For Human Genetics Tuebingen Variant Classification Criteria Version 2. Collection method: clinical testing. Allele origin: germline. Affected: yes. Observed: 1 variant allele.
Comment: ITSN1: BP4, BP7